The following is an entry in ClinVar:

ClinVar aggregate classification (germline): Uncertain significance (1 of 4 stars; one submission).

Conditions:
Hereditary breast ovarian cancer syndrome. Also called: Hereditary breast and ovarian cancer syndrome; Hereditary breast and ovarian cancer syndrome (HBOC); Hereditary breast and/or ovarian cancer syndrome; Breast and ovarian cancer; Hereditary breast and ovarian cancer; BRCA1- and BRCA2-Associated Hereditary Breast and Ovarian Cancer. Identifiers: Orphanet 145, MedGen C0677776, MeSH D061325, MONDO:0003582. Disease mechanism: loss of function.

Submission:

Labcorp Genetics (formerly Invitae), Labcorp
Classification: Uncertain significance for Hereditary breast ovarian cancer syndrome. Last evaluated: 2023-10-15. Review status: criteria provided, single submitter. Criteria: Invitae Variant Classification Sherloc (09022015). Collection method: clinical testing. Allele origin: germline.
Comment: This sequence change replaces cysteine, which is neutral and slightly polar, with glycine, which is neutral and non-polar, at codon 3222 of the BRCA2 protein (p.Cys3222Gly). This variant is not present in population databases (gnomAD no frequency). This variant has not been reported in the literature in individuals affected with BRCA2-related conditions. Advanced modeling of protein sequence and biophysical properties (such as structural, functional, and spatial information, amino acid conservation, physicochemical variation, residue mobility, and thermodynamic stability) performed at Invitae indicates that this missense variant is not expected to disrupt BRCA2 protein function. In summary, the available evidence is currently insufficient to determine the role of this variant in disease. Therefore, it has been classified as a Variant of Uncertain Significance.

NM_000059.4(BRCA2):c.9664T>G (p.Cys3222Gly)

Gene: BRCA2 (BRCA2 DNA repair associated; plus strand). Cytogenetic location: 13q13.1.
Variant type: single nucleotide variant.
Coding change: c.9664T>G on transcript NM_000059.4 (MANE Select); coding-DNA position 9664, T replaced by G.
Protein change: p.Cys3222Gly; replaces cysteine 3222 with glycine.
Molecular consequence: missense variant. On other transcripts: non-coding transcript variant (1).
Genome position (GRCh38, 1-based): chr13:32,398,177, T>G. VCF-style: chr13-32398177-T-G. GRCh37 (hg19) VCF-style: chr13-32972314-T-G.
Other names: c.9568T>G, p.Cys3190Gly (NM_001406719.1); c.9613T>G, p.Cys3205Gly (NM_001406720.1); c.4732T>G, p.Cys1578Gly (NM_001406721.1); c.3247T>G, p.Cys1083Gly (NM_001406722.1); short protein forms C3190G, C1578G, C3205G, C1083G, C3222G.
Identifiers: ClinVar variation 2782855 (VCV002782855.3), dbSNP rs2073049142, ClinGen allele CA387765132.
Genomic context (GRCh38, chr13:32,398,177, plus strand): 5'-GTTACTACATAATTATGATAGGCTACGTTTTCATTTTTTTATCAGATGTCTTCTCCTAAT[T>G]GTGAGATATATTATCAAAGTCCTTTATCACTTTGTATGGCCAAAAGGAAGTCTGTTTCCA-3'
Protein context (NP_000050.3, residues 3212-3232): GNKLLMSSPN[Cys3222Gly]EIYYQSPLSL